The following is an entry in ClinVar:

ClinVar aggregate classification (germline): Likely benign. Review status: criteria provided, multiple submitters, no conflicts (2 of 4 stars). 3 submissions from 3 submitters: Likely benign (3). Last evaluated 2026-09-01.

Conditions:
Autosomal recessive limb-girdle muscular dystrophy type 2J (LGMDR10). Also called: MUSCULAR DYSTROPHY, LIMB-GIRDLE, AUTOSOMAL RECESSIVE 10; Limb-girdle muscular dystrophy, type 2J. Identifiers: Orphanet 140922, MedGen C1837342, MONDO:0012127, OMIM 608807.
Myopathy, myofibrillar, 9, with early respiratory failure (MFM9). Also called: MYOPATHY, PROXIMAL, WITH EARLY RESPIRATORY MUSCLE INVOLVEMENT; Myopathy, distal, with early respiratory failure, autosomal dominant; EDSTROM MYOPATHY; Hereditary myopathy with early respiratory failure. Identifiers: Orphanet 178464, Orphanet 34521, MedGen C1863599, MONDO:0011362, OMIM 603689.
Dilated cardiomyopathy 1G (CMD1G). Identifiers: Orphanet 154, MedGen C1858763, MONDO:0011400, OMIM 604145.
Tibial muscular dystrophy (TMD). Also called: Udd Distal Myopathy – Tibial Muscular Dystrophy; UDD MYOPATHY; Tibial muscular dystrophy, tardive. Identifiers: Orphanet 609, MedGen C1838244, MONDO:0010870, OMIM 600334.
Early-onset myopathy with fatal cardiomyopathy (CMYO5). Also called: CONGENITAL MYOPATHY 5 WITH CARDIOMYOPATHY; Salih Myopathy. Identifiers: Orphanet 289377, MedGen C2673677, MONDO:0012714, OMIM 611705. Disease mechanism: loss of function.
Hypertrophic cardiomyopathy 9. Also called: Familial hypertrophic cardiomyopathy 9. Identifiers: MedGen C1861065, MONDO:0013412, OMIM 613765.

Allele frequency attached by ClinVar (database versions not stated): ExAC below 0.00001; 1000 Genomes Project 30x 0.00219; gnomAD exomes 0.00384; gnomAD 0.00406.

Submissions (3):

CeGaT Center for Human Genetics Tuebingen
Classification: Likely benign. Last evaluated: 2026-09-01. Review status: criteria provided, single submitter. Criteria: CeGaT Center For Human Genetics Tuebingen Variant Classification Criteria Version 2. Collection method: clinical testing. Allele origin: germline. Affected: yes. Observed: 32 variant alleles.
Comment: TTN: BS2

Department of Pathology and Laboratory Medicine, Sinai Health System
Classification: Likely benign for Tibial muscular dystrophy; Myopathy, myofibrillar, 9, with early respiratory failure; Dilated cardiomyopathy 1G; Autosomal recessive limb-girdle muscular dystrophy type 2J; Early-onset myopathy with fatal cardiomyopathy; Hypertrophic cardiomyopathy 9. Last evaluated: 2022-11-22. Review status: criteria provided, single submitter. Criteria: ACMG Guidelines, 2015. Collection method: research. Allele origin: germline.

Breakthrough Genomics
Classification: Likely benign. Review status: criteria provided, single submitter. Criteria: ACMG Guidelines, 2015. Collection method: not provided. Allele origin: germline. Inheritance: Autosomal recessive inheritance. Affected: yes.

NM_001267550.2(TTN):c.38203G>A (p.Glu12735Lys)

Gene: TTN (titin; minus strand). Cytogenetic location: 2q31.2.
Variant type: single nucleotide variant.
Coding change: c.38203G>A on transcript NM_001267550.2 (MANE Select); coding-DNA position 38203, G replaced by A.
Protein change: p.Glu12735Lys; replaces glutamic acid 12735 with lysine.
Molecular consequence: missense variant. On other transcripts: intron variant (5).
Genome position (GRCh38, 1-based): chr2:178,654,748, C>T on the plus strand (G>A on the coding strand, the complement: TTN is on the minus strand). VCF-style: chr2-178654748-C-T. GRCh37 (hg19) VCF-style: chr2-179519475-C-T.
Other names: c.13283-12431G>A (NM_003319.4); c.13859-12431G>A (NM_133437.4); c.13658-12431G>A (NM_133432.3); c.31742-2207G>A (NM_133378.4); c.34523-2207G>A (NM_001256850.1); short protein forms E12735K.
Identifiers: ClinVar variation 809014 (VCV000809014.43), dbSNP rs755415340, ClinGen allele CA1997188.